The following is an entry in ClinVar:

ClinVar aggregate classification (germline): Conflicting classifications of pathogenicity. Review status: criteria provided, conflicting classifications (1 of 4 stars). 3 submissions from 3 submitters: Uncertain significance (2); Likely benign (1). Last evaluated 2025-11-20.

Allele frequency attached by ClinVar (database versions not stated): gnomAD exomes below 0.00001 and 0.00001; ExAC 0.00002; gnomAD 0.00005; TOPMed 0.00008.
gnomAD v4.1: 11 of 1,531,280 alleles (0.00072%); highest among the groups gnomAD compares: African/African-American, 0.015%; no homozygotes.

Submissions (3):

Ambry Genetics
Classification: Likely benign. Last evaluated: 2025-11-20. Review status: criteria provided, single submitter. Criteria: Ambry Variant Classification Scheme 2023. Collection method: clinical testing. Allele origin: germline.

Labcorp Genetics (formerly Invitae), Labcorp
Classification: Uncertain significance. Last evaluated: 2025-09-14. Review status: criteria provided, single submitter. Criteria: Invitae Variant Classification Sherloc (09022015). Collection method: clinical testing. Allele origin: germline.
Comment: This sequence change affects codon 742 of the RASA2 mRNA. It is a 'silent' change, meaning that it does not change the encoded amino acid sequence of the RASA2 protein. It affects a nucleotide within the consensus splice site. This variant is present in population databases (rs754617499, gnomAD 0.02%). This variant has not been reported in the literature in individuals affected with RASA2-related conditions. ClinVar contains an entry for this variant (Variation ID: 929177). Algorithms developed to predict the effect of sequence changes on RNA splicing suggest that this variant is not likely to affect RNA splicing. In summary, the available evidence is currently insufficient to determine the role of this variant in disease. Therefore, it has been classified as a Variant of Uncertain Significance.

Women's Health and Genetics/Laboratory Corporation of America, LabCorp
Classification: Uncertain significance. Last evaluated: 2019-08-27. Review status: criteria provided, single submitter. Criteria: LabCorp Variant Classification Summary - May 2015. Collection method: clinical testing. Allele origin: germline.
Comment: Variant summary: RASA2 c.2226A>T (p.Ala742Ala) alters a non-conserved nucleotide located close to a canonical splice site and therefore could affect mRNA splicing, leading to a significantly altered protein sequence. 5/5 computational tools predict no significant impact on normal splicing. However, these predictions have yet to be confirmed by functional studies. The variant allele was found at a frequency of 1.3e-05 in 228264 control chromosomes (gnomAD). The available data on variant occurrences in the general population are insufficient to allow any conclusion about variant significance. To our knowledge, no occurrence of c.2226A>T in individuals affected with Noonan Syndrome and Related Conditions and no experimental evidence demonstrating its impact on protein function have been reported. No clinical diagnostic laboratories have submitted clinical-significance assessments for this variant to ClinVar after 2014. Based on the evidence outlined above, the variant was classified as VUS-possibly benign.

NM_006506.5(RASA2):c.2226A>T (p.Ala742=)

Gene: RASA2 (RAS p21 protein activator 2; plus strand). Cytogenetic location: 3q23.
Variant type: single nucleotide variant.
Coding change: c.2226A>T on transcript NM_006506.5 (MANE Select); coding-DNA position 2226, A replaced by T.
Protein change: p.Ala742=; no amino-acid change (alanine 742 retained).
Molecular consequence: synonymous variant.
Genome position (GRCh38, 1-based): chr3:141,609,420, A>T. VCF-style: chr3-141609420-A-T. GRCh37 (hg19) VCF-style: chr3-141328262-A-T.
Other names: c.2229A>T, p.Ala743= (NM_001303245.3); c.2238A>T, p.Ala746= (NM_001303246.3); c.2226A>T (NM_006506.2).
Identifiers: ClinVar variation 929177 (VCV000929177.6), dbSNP rs754617499, ClinGen allele CA2645794.
Genomic context (GRCh38, chr3:141,609,420, plus strand): 5'-CTTGGCATGTTAACAAAATAAAATTTGTATAATATCTTTATTTTTTTATTTTTACCATAG[A>T]GGTGTCCCTGCAGACATCCAAATAGATATTGATGAAGACAGAGAAACAGAAAGAATTTAT-3'
Protein context (NP_006497.2, residues 732-752): ENTLGCKPCT[Ala742=]GVPADIQIDI